The following is an entry in ClinVar:

ClinVar aggregate classification (germline): Uncertain significance (1 of 4 stars; one submission).

Conditions:
Intestinal pseudoobstruction, neuronal, chronic idiopathic, X-linked (CIIPX). Also called: FLNA-Related Periventricular Nodular Heterotopia (FLNA-Related PVNH; Huttenlocher Syndrome); CONGENITAL IDIOPATHIC INTESTINAL PSEUDOOBSTRUCTION; INTESTINAL PSEUDOOBSTRUCTION, NEURONAL, CHRONIC IDIOPATHIC, WITH CENTRAL NERVOUS SYSTEM INVOLVEMENT. Identifiers: Orphanet 2301, MedGen C2746068, MONDO:0010232, OMIM 300048.

Submission:

Johns Hopkins Genomics, Johns Hopkins University
Classification: Uncertain significance for Intestinal pseudoobstruction, neuronal, chronic idiopathic, X-linked. Last evaluated: 2024-08-29. Review status: criteria provided, single submitter. Criteria: ACMG Guidelines, 2015. Collection method: clinical testing. Allele origin: germline.
Comment: This FLNA missense variant is absent from a large population dataset and has not been reported in ClinVar nor the literature, to our knowledge. Two bioinformatic tools queried predict that this substitution would be damaging, and the leucine residue at this position is evolutionarily conserved across all of the species assessed. We consider the clinical significance of c.6490C>A in FLNA to be uncertain at this time.

Literature cited by the submitters: PubMed 20301392.

NM_001110556.2(FLNA):c.6490C>A (p.Leu2164Met)

Gene: FLNA (filamin A; minus strand). Cytogenetic location: Xq28.
Variant type: single nucleotide variant.
Coding change: c.6490C>A on transcript NM_001110556.2 (MANE Select); coding-DNA position 6490, C replaced by A.
Protein change: p.Leu2164Met; replaces leucine 2164 with methionine.
Molecular consequence: missense variant.
Genome position (GRCh38, 1-based): chrX:154,352,565, G>T on the plus strand (C>A on the coding strand, the complement: FLNA is on the minus strand). VCF-style: chrX-154352565-G-T. GRCh37 (hg19) VCF-style: chrX-153580933-G-T.
Other names: c.6466C>A, p.Leu2156Met (NM_001456.4); short protein forms L2156M, L2164M.
Identifiers: ClinVar variation 4280023 (VCV004280023.1).
Genomic context (GRCh38, chrX:154,352,565, plus strand): 5'-GGCTGCTTGAGCCCCAGGACCCCTCCCCAGGCTTCCCACAGCCCCTACCAGGGATTTTCA[G>T]GCTGAGGTCACAATGACTACCAACGTTGGCCACTGAAGGAGCCCGACGCCTGCGGGTGAT-3'
Protein context (NP_001104026.1, residues 2154-2174): ANVGSHCDLS[Leu2164Met]KIPEISIQDM